The following is an entry in ClinVar:

ClinVar aggregate classification (germline): Uncertain significance (1 of 4 stars; one submission).

Conditions:
Retinitis pigmentosa 73 (RP73). Identifiers: Orphanet 791, MedGen C4225287, MONDO:0014687, OMIM 616544.
Mucopolysaccharidosis, MPS-III-C (MPS3C). Also called: MPS IIIC (Sanfilippo Syndrome Type C); MUCOPOLYSACCHARIDOSIS, TYPE IIIC; Mucopolysaccharidosis type IIIC (Sanfilippo C); SANFILIPPO SYNDROME C; MPS III C; mucopolysaccharidosis type 3C. Identifiers: Orphanet 581, Orphanet 79271, MedGen C0086649, MONDO:0009657, OMIM 252930.

Allele frequency attached by ClinVar (database versions not stated): gnomAD exomes below 0.00001.
gnomAD v4.1: 2 of 1,225,330 alleles (0.00016%); highest among the groups gnomAD compares: Non-Finnish European, 0.0001%; no homozygotes.

Submission:

Labcorp Genetics (formerly Invitae), Labcorp
Classification: Uncertain significance for Retinitis pigmentosa 73; Mucopolysaccharidosis, MPS-III-C. Last evaluated: 2024-02-24. Review status: criteria provided, single submitter. Criteria: Invitae Variant Classification Sherloc (09022015). Collection method: clinical testing. Allele origin: germline.
Comment: This sequence change replaces proline, which is neutral and non-polar, with arginine, which is basic and polar, at codon 25 of the HGSNAT protein (p.Pro25Arg). This variant is not present in population databases (gnomAD no frequency). This variant has not been reported in the literature in individuals affected with HGSNAT-related conditions. ClinVar contains an entry for this variant (Variation ID: 1396246). Advanced modeling of protein sequence and biophysical properties (such as structural, functional, and spatial information, amino acid conservation, physicochemical variation, residue mobility, and thermodynamic stability) has been performed at Invitae for this missense variant, however the output from this modeling did not meet the statistical confidence thresholds required to predict the impact of this variant on HGSNAT protein function. In summary, the available evidence is currently insufficient to determine the role of this variant in disease. Therefore, it has been classified as a Variant of Uncertain Significance.

NM_152419.3(HGSNAT):c.74C>G (p.Pro25Arg)

Genes: HGSNAT (heparan-alpha-glucosaminide N-acetyltransferase; plus strand), LOC130000316 (ATAC-STARR-seq lymphoblastoid silent region 19164; plus strand). Cytogenetic location: 8p11.21.
Variant type: single nucleotide variant.
Coding change: c.74C>G on transcript NM_152419.3 (MANE Select); coding-DNA position 74, C replaced by G.
Protein change: p.Pro25Arg; replaces proline 25 with arginine.
Molecular consequence: missense variant. On other transcripts: 5 prime UTR variant (1).
Genome position (GRCh38, 1-based): chr8:43,140,570, C>G. VCF-style: chr8-43140570-C-G. GRCh37 (hg19) VCF-style: chr8-42995713-C-G.
Other names: c.74C>G, p.Pro25Arg (NM_001363227.2, NM_001363228.2); c.-760C>G (NM_001363229.2); short protein forms P25R.
Identifiers: ClinVar variation 1396246 (VCV001396246.7), dbSNP rs2130648242, ClinGen allele CA371124625.